The following is an entry in ClinVar:

ClinVar aggregate classification (germline): Uncertain significance (1 of 4 stars; one submission).

Submission:

Ambry Genetics
Classification: Uncertain significance. Last evaluated: 2025-12-18. Review status: criteria provided, single submitter. Criteria: Ambry Variant Classification Scheme 2023. Collection method: clinical testing. Allele origin: germline.
Comment: The p.G1130A variant (also known as c.3389G>C), located in coding exon 13 of the WNK2 gene, results from a G to C substitution at nucleotide position 3389. The glycine at codon 1130 is replaced by alanine, an amino acid with similar properties. This amino acid position is conserved. In addition, this alteration is predicted to be tolerated by in silico analysis. Based on the available evidence, the clinical significance of this variant remains unclear.

NM_006648.4(WNK2):c.3389G>C (p.Gly1130Ala)

Gene: WNK2 (WNK lysine deficient protein kinase 2; plus strand). Cytogenetic location: 9q22.31.
Variant type: single nucleotide variant.
Coding change: c.3389G>C on transcript NM_006648.4 (MANE Select); coding-DNA position 3389, G replaced by C.
Protein change: p.Gly1130Ala; replaces glycine 1130 with alanine.
Molecular consequence: missense variant.
Genome position (GRCh38, 1-based): chr9:93,262,698, G>C. VCF-style: chr9-93262698-G-C. GRCh37 (hg19) VCF-style: chr9-96024980-G-C.
Other names: c.3389G>C, p.Gly1130Ala (NM_001282394.3); short protein forms G1130A.
Identifiers: ClinVar variation 4842086 (VCV004842086.1).
Genomic context (GRCh38, chr9:93,262,698, plus strand): 5'-CCTGTTCTCTTTTCTCCGGGTGTTTATTTCAGGAGCAGGCCTCACAGGACAAGCCGCCCG[G>C]CCTCCCGCAGAGCTGTGAGAGGTAGTGTGGCCCAGCCTCGACCTCGCAGGACGGGTGTAG-3'
Protein context (NP_006639.3, residues 1120-1140): EEQASQDKPP[Gly1130Ala]LPQSCESYGG